The following is an entry in ClinVar:

ClinVar aggregate classification (germline): Uncertain significance (1 of 4 stars; one submission).

Submission:

Labcorp Genetics (formerly Invitae), Labcorp
Classification: Uncertain significance. Last evaluated: 2024-05-28. Review status: criteria provided, single submitter. Criteria: Invitae Variant Classification Sherloc (09022015). Collection method: clinical testing. Allele origin: germline.
Comment: This sequence change falls in intron 4 of the MKL1 gene. It does not directly change the encoded amino acid sequence of the MKL1 protein. It affects a nucleotide within the consensus splice site. This variant is not present in population databases (gnomAD no frequency). This variant has not been reported in the literature in individuals affected with MKL1-related conditions. Variants that disrupt the consensus splice site are a relatively common cause of aberrant splicing (PMID: 17576681, 9536098). Algorithms developed to predict the effect of sequence changes on RNA splicing suggest that this variant may disrupt the consensus splice site. In summary, the available evidence is currently insufficient to determine the role of this variant in disease. Therefore, it has been classified as a Variant of Uncertain Significance.

Literature cited by the submitters: PubMed 17576681; PubMed 9536098.

NM_020831.6(MRTFA):c.307+6T>C

Gene: MRTFA (myocardin related transcription factor A; minus strand). Cytogenetic location: 22q13.1.
Variant type: single nucleotide variant.
Coding change: c.307+6T>C on transcript NM_020831.6 (MANE Select); 6 bases into the intron after coding-DNA position 307, T replaced by C.
Molecular consequence: intron variant.
Genome position (GRCh38, 1-based): chr22:40,463,215, A>G on the plus strand (T>C on the coding strand, the complement: MRTFA is on the minus strand). VCF-style: chr22-40463215-A-G. GRCh37 (hg19) VCF-style: chr22-40859219-A-G.
Other names: c.307+6T>C (NM_001282661.3, NM_001282662.3); c.112+6T>C (NM_001318139.2); c.7+6T>C (NM_001282660.2).
Identifiers: ClinVar variation 3646854 (VCV003646854.2).